The following is an entry in ClinVar:

NM_007294.4(BRCA1):c.5294A>G (p.Glu1765Gly)

Gene: BRCA1 (BRCA1 DNA repair associated; minus strand). Cytogenetic location: 17q21.31.
Variant type: single nucleotide variant.
Coding change: c.5294A>G on transcript NM_007294.4 (MANE Select); coding-DNA position 5294, A replaced by G.
Protein change: p.Glu1765Gly; replaces glutamic acid 1765 with glycine.
Molecular consequence: missense variant. On other transcripts: non-coding transcript variant (1).
Genome position (GRCh38, 1-based): chr17:43,051,101, T>C on the plus strand (A>G on the coding strand, the complement: BRCA1 is on the minus strand). VCF-style: chr17-43051101-T-C. GRCh37 (hg19) VCF-style: chr17-41203118-T-C.
Other names: c.5294A>G, p.Glu1765Gly (NM_001407602.1, NM_001407603.1, NM_001407605.1 and 6 more transcripts); c.5291A>G, p.Glu1764Gly (NM_001407610.1, NM_001407611.1, NM_001407612.1 and 17 more transcripts); c.5288A>G, p.Glu1763Gly (NM_001407627.1, NM_001407628.1, NM_001407629.1 and 14 more transcripts); c.5282A>G, p.Glu1761Gly (NM_001407646.1); c.5279A>G, p.Glu1760Gly (NM_001407647.1); c.5237A>G, p.Glu1746Gly (NM_001407648.1); c.5234A>G, p.Glu1745Gly (NM_001407649.1); c.5216A>G, p.Glu1739Gly (NM_001407652.1, NM_001407653.1, NM_001407654.1 and 1 more transcripts); and 72 more; short protein forms E1786G, E661G, E1718G, E1765G, E1675G, E1693G, E1694G, E1696G.
Identifiers: ClinVar variation 865275 (VCV000865275.3), dbSNP rs2051209003, ClinGen allele CA10590961.

Conditions:
Breast-ovarian cancer, familial, susceptibility to, 1 (BROVCA1). Also called: BRCA1 Hereditary Breast and Ovarian Cancer; OVARIAN CANCER, SUSCEPTIBILITY TO. Identifiers: Orphanet 145, MedGen C2676676, MONDO:0011450, OMIM 604370. Disease mechanism: loss of function.

Submission:

Brotman Baty Institute, University of Washington
No classification provided (evidence only). Condition: Breast-ovarian cancer, familial 1. Review status: no classification provided. Collection method: in vitro. Allele origin: not applicable. Functional consequence: function_uncertain_variant.
ClinVar note: "not provided" was previously submitted as the classification for the variant. However, the classification appeared to be based only on an observation of functional data so it was converted to no classification on 2025-07-30.